The following is an entry in ClinVar:

ClinVar aggregate classification (germline): Uncertain significance. Review status: criteria provided, multiple submitters, no conflicts (2 of 4 stars). 2 submissions from 2 submitters: Uncertain significance (2). Last evaluated 2022-05-08.

Allele frequency attached by ClinVar (database versions not stated): TOPMed 0.00001; ExAC 0.00002; gnomAD 0.00002; gnomAD exomes 0.00003.
gnomAD v4.1: 45 of 1,613,900 alleles (0.0028%); highest among the groups gnomAD compares: Non-Finnish European, 0.0035%; no homozygotes.

Submissions (2):

Labcorp Genetics (formerly Invitae), Labcorp
Classification: Uncertain significance. Last evaluated: 2022-05-08. Review status: criteria provided, single submitter. Criteria: Invitae Variant Classification Sherloc (09022015). Collection method: clinical testing. Allele origin: germline.
Comment: In summary, the available evidence is currently insufficient to determine the role of this variant in disease. Therefore, it has been classified as a Variant of Uncertain Significance. This sequence change replaces aspartic acid, which is acidic and polar, with asparagine, which is neutral and polar, at codon 536 of the CRAT protein (p.Asp536Asn). This variant is present in population databases (rs748290159, gnomAD 0.004%). This variant has not been reported in the literature in individuals affected with CRAT-related conditions. Algorithms developed to predict the effect of missense changes on protein structure and function (SIFT, PolyPhen-2, Align-GVGD) all suggest that this variant is likely to be tolerated.

Ambry Genetics
Classification: Uncertain significance. Last evaluated: 2021-09-01. Review status: criteria provided, single submitter. Criteria: Ambry Variant Classification Scheme 2023. Collection method: clinical testing. Allele origin: germline.

NM_000755.5(CRAT):c.1606G>A (p.Asp536Asn)

Gene: CRAT (carnitine O-acetyltransferase; minus strand). Cytogenetic location: 9q34.11.
Variant type: single nucleotide variant.
Coding change: c.1606G>A on transcript NM_000755.5 (MANE Select); coding-DNA position 1606, G replaced by A.
Protein change: p.Asp536Asn; replaces aspartic acid 536 with asparagine.
Molecular consequence: missense variant. On other transcripts: intron variant (2).
Genome position (GRCh38, 1-based): chr9:129,096,057, C>T on the plus strand (G>A on the coding strand, the complement: CRAT is on the minus strand). VCF-style: chr9-129096057-C-T. GRCh37 (hg19) VCF-style: chr9-131858336-C-T.
Other names: c.1543G>A, p.Asp515Asn (NM_001257363.3, NM_004003.4); c.1609G>A, p.Asp537Asn (NM_001346546.2); c.1486G>A, p.Asp496Asn (NM_001346549.2); c.1593+13G>A (NM_001346547.2); c.1530+13G>A (NM_001346548.2); c.1606G>A (NM_000755.3); short protein forms D496N, D536N, D537N, D515N.
Identifiers: ClinVar variation 2174205 (VCV002174205.5), dbSNP rs748290159, ClinGen allele CA5275306.